The following is an entry in ClinVar:

NM_000069.3(CACNA1S):c.3773G>A (p.Trp1258Ter)

Gene: CACNA1S (calcium voltage-gated channel subunit alpha1 S; minus strand). Cytogenetic location: 1q32.1.
Variant type: single nucleotide variant.
Coding change: c.3773G>A on transcript NM_000069.3 (MANE Select); coding-DNA position 3773, G replaced by A.
Protein change: p.Trp1258Ter; replaces tryptophan 1258 with a stop codon.
Molecular consequence: nonsense.
Genome position (GRCh38, 1-based): chr1:201,053,481, C>T on the plus strand (G>A on the coding strand, the complement: CACNA1S is on the minus strand). VCF-style: chr1-201053481-C-T. GRCh37 (hg19) VCF-style: chr1-201022609-C-T.
Other names: short protein forms W1258*.
Identifiers: ClinVar variation 856306 (VCV000856306.10), dbSNP rs1660729290, ClinGen allele CA344154314.

ClinVar aggregate classification (germline): Pathogenic (1 of 4 stars; one submission).

Conditions:
Hypokalemic periodic paralysis, type 1. Also called: Hypokalemic Periodic Paralysis Type 1 (AD); HypoPP. Identifiers: Orphanet 681, MedGen C3714580, MONDO:0042979, OMIM 170400.
Malignant hyperthermia, susceptibility to, 5 (MHS5). Also called: CACNA1S-Related Malignant Hyperthermia Susceptibility. Identifiers: Orphanet 423, MedGen C1866077, MONDO:0011163, OMIM 601887.

Submission:

Labcorp Genetics (formerly Invitae), Labcorp
Classification: Pathogenic for Hypokalemic periodic paralysis, type 1; Malignant hyperthermia, susceptibility to, 5. Last evaluated: 2019-04-15. Review status: criteria provided, single submitter. Criteria: Invitae Variant Classification Sherloc (09022015). Collection method: clinical testing. Allele origin: germline.
Comment: Loss-of-function variants in CACNA1S are known to be pathogenic (PMID: 26247046, 28012042). For these reasons, this variant has been classified as Pathogenic. Algorithms developed to predict the effect of sequence changes on RNA splicing suggest that this variant may create or strengthen a splice site, but this prediction has not been confirmed by published transcriptional studies. This variant has not been reported in the literature in individuals with CACNA1S-related conditions. This variant is not present in population databases (ExAC no frequency). This sequence change creates a premature translational stop signal (p.Trp1258*) in the CACNA1S gene. It is expected to result in an absent or disrupted protein product.

Literature cited by the submitters: PubMed 26247046; PubMed 28012042.